The following is an entry in ClinVar:

NC_000018.9:g.(?_42281312)_(44236996_?)del

Genes: ARK2C (arkadia (RNF111) C-terminal like ring finger ubiquitin ligase 2C; plus strand), ARK2N (arkadia (RNF111) N-terminal like PKA signaling regulator 2N; plus strand), ATP5F1A (ATP synthase F1 subunit alpha; minus strand), EPG5 (ectopic P-granules 5 autophagy tethering factor; minus strand), HAUS1 (HAUS augmin like complex subunit 1; plus strand) and 6 more. Cytogenetic location: 18q12.3-21.1.
Variant type: Deletion.
Identifiers: ClinVar variation 2426180 (VCV002426180.3).

ClinVar aggregate classification (germline): Pathogenic (1 of 4 stars; one submission).

Submission:

Labcorp Genetics (formerly Invitae), Labcorp
Classification: Pathogenic. Last evaluated: 2022-07-21. Review status: criteria provided, single submitter. Criteria: Invitae Variant Classification Sherloc (09022015). Collection method: clinical testing. Allele origin: germline.
Comment: A gross deletion of the genomic region encompassing the full coding sequence of the SETBP1 gene has been identified. Loss-of-function variants in SETBP1 are known to be pathogenic (PMID: 21037274, 25217958). The boundaries of this event are unknown as they extend beyond the assayed region for this gene and therefore may encompass additional genes. Isolated whole-gene deletions of SETBP1 have not been reported in the literature. However, larger copy number events that include this gene have been reported (PMID: 21037274). For these reasons, this variant has been classified as Pathogenic.

Literature cited by the submitters: PubMed 21037274; PubMed 25217958.